The following is an entry in ClinVar:

NM_001081550.2(THOC2):c.2554T>A (p.Ser852Thr)

Gene: THOC2 (THO complex subunit 2; minus strand). Cytogenetic location: Xq25.
Variant type: single nucleotide variant.
Coding change: c.2554T>A on transcript NM_001081550.2 (MANE Select); coding-DNA position 2554, T replaced by A.
Protein change: p.Ser852Thr; replaces serine 852 with threonine.
Molecular consequence: missense variant.
Genome position (GRCh38, 1-based): chrX:123,627,896, A>T on the plus strand (T>A on the coding strand, the complement: THOC2 is on the minus strand). VCF-style: chrX-123627896-A-T. GRCh37 (hg19) VCF-style: chrX-122761747-A-T.
Other names: short protein forms S852T.
Identifiers: ClinVar variation 3360798 (VCV003360798.1).

ClinVar aggregate classification (germline): Uncertain significance (1 of 4 stars; one submission).

Submission:

GeneDx
Classification: Uncertain significance. Last evaluated: 2023-07-05. Review status: criteria provided, single submitter. Criteria: GeneDx Variant Classification Process June 2021. Collection method: clinical testing. Allele origin: germline. Affected: yes.
Comment: Not observed at significant frequency in large population cohorts (gnomAD); In silico analysis supports that this missense variant does not alter protein structure/function; Has not been previously published as pathogenic or benign to our knowledge